The following is an entry in ClinVar:

ClinVar aggregate classification (germline): Uncertain significance. Review status: criteria provided, multiple submitters, no conflicts (2 of 4 stars). 2 submissions from 2 submitters: Uncertain significance (2). Last evaluated 2025-12-08.

Conditions:
Early-infantile DEE. Also called: Early infantile epileptic encephalopathy; Ohtahara syndrome; Early infantile epileptic encephalopathy with suppression bursts. Identifiers: Orphanet 1934, MedGen C0393706, MONDO:0800491.

Allele frequency attached by ClinVar (database versions not stated): gnomAD exomes below 0.00001; ExAC 0.00001; gnomAD 0.00005; TOPMed 0.00005.
gnomAD v4.1: 13 of 1,613,726 alleles (0.00081%); highest among the groups gnomAD compares: Middle Eastern, 0.017%; no homozygotes.

Submissions (2):

Ambry Genetics
Classification: Uncertain significance. Last evaluated: 2025-12-08. Review status: criteria provided, single submitter. Criteria: Ambry Variant Classification Scheme 2023. Collection method: clinical testing. Allele origin: germline.

Labcorp Genetics (formerly Invitae), Labcorp
Classification: Uncertain significance for Early-infantile DEE. Last evaluated: 2024-12-17. Review status: criteria provided, single submitter. Criteria: Invitae Variant Classification Sherloc (09022015). Collection method: clinical testing. Allele origin: germline.
Comment: This sequence change replaces arginine, which is basic and polar, with cysteine, which is neutral and slightly polar, at codon 572 of the ARHGEF15 protein (p.Arg572Cys). This variant is present in population databases (rs745415178, gnomAD 0.008%). This variant has not been reported in the literature in individuals affected with ARHGEF15-related conditions. ClinVar contains an entry for this variant (Variation ID: 1438512). An algorithm developed to predict the effect of missense changes on protein structure and function (PolyPhen-2) suggests that this variant is likely to be disruptive. In summary, the available evidence is currently insufficient to determine the role of this variant in disease. Therefore, it has been classified as a Variant of Uncertain Significance.

NM_173728.4(ARHGEF15):c.1714C>T (p.Arg572Cys)

Gene: ARHGEF15 (Rho guanine nucleotide exchange factor 15; plus strand). Cytogenetic location: 17p13.1.
Variant type: single nucleotide variant.
Coding change: c.1714C>T on transcript NM_173728.4 (MANE Select); coding-DNA position 1714, C replaced by T.
Protein change: p.Arg572Cys; replaces arginine 572 with cysteine.
Molecular consequence: missense variant.
Genome position (GRCh38, 1-based): chr17:8,318,396, C>T. VCF-style: chr17-8318396-C-T. GRCh37 (hg19) VCF-style: chr17-8221714-C-T.
Other names: c.1714C>T (NM_173728.3); c.1714C>T, p.Arg572Cys (NM_025014.2); short protein forms R572C.
Identifiers: ClinVar variation 1438512 (VCV001438512.11), dbSNP rs745415178, ClinGen allele CA8375272.
Genomic context (GRCh38, chr17:8,318,396, plus strand): 5'-TCCCAGGGCCACAGAGCAGGGGGCCCAGTCACCCTTCCTCCTTGTCCCCAGAATATCCTG[C>T]GCCAGACAGAAGAGGGGTCCAGCCGTCAGGAGAATGCCCAGAAGGCCCTGGGTGCTGTCA-3'
Protein context (NP_776089.2, residues 562-582): RLRMLLQNIL[Arg572Cys]QTEEGSSRQE